The following is an entry in ClinVar:

NM_005475.3(SH2B3):c.770T>C (p.Ile257Thr)

Gene: SH2B3 (SH2B adaptor protein 3; plus strand). Cytogenetic location: 12q24.12.
Variant type: single nucleotide variant.
Coding change: c.770T>C on transcript NM_005475.3 (MANE Select); coding-DNA position 770, T replaced by C.
Protein change: p.Ile257Thr; replaces isoleucine 257 with threonine.
Molecular consequence: missense variant.
Genome position (GRCh38, 1-based): chr12:111,446,790, T>C. VCF-style: chr12-111446790-T-C. GRCh37 (hg19) VCF-style: chr12-111884594-T-C.
Other names: c.164T>C, p.Ile55Thr (NM_001291424.1); short protein forms I257T, I55T.
Identifiers: ClinVar variation 1336175 (VCV001336175.8), dbSNP rs147341899, ClinGen allele CA6789729.

ClinVar aggregate classification (germline): Conflicting classifications of pathogenicity. Review status: criteria provided, conflicting classifications (1 of 4 stars). 4 submissions from 4 submitters: Uncertain significance (2); Benign (1); Likely benign (1). Last evaluated 2025-01-06.

Allele frequency attached by ClinVar (database versions not stated): gnomAD exomes 0.00062 and 0.00024; ExAC 0.00083; 1000 Genomes Project 0.00120; 1000 Genomes Project 30x 0.00125; gnomAD 0.00177 and 0.00192; TOPMed 0.00209; ESP Exome Variant Server 0.00254.
gnomAD v4.1: 628 of 1,563,538 alleles (0.04%); highest among the groups gnomAD compares: African/African-American, 0.67%; 5 homozygotes.

Submissions (4):

GeneDx
Classification: Uncertain significance. Last evaluated: 2025-01-06. Review status: criteria provided, single submitter. Criteria: GeneDx Variant Classification Process June 2021. Collection method: clinical testing. Allele origin: germline. Affected: yes.
Comment: In silico analysis supports that this missense variant has a deleterious effect on protein structure/function; Has not been previously published as pathogenic or benign to our knowledge

ARUP Laboratories, Molecular Genetics and Genomics, ARUP Laboratories
Classification: Likely benign. Last evaluated: 2024-11-05. Review status: criteria provided, single submitter. Criteria: ARUP Molecular Germline Variant Investigation Process 2024. Collection method: clinical testing. Allele origin: germline.

Revvity Omics, Revvity
Classification: Uncertain significance. Last evaluated: 2022-01-27. Review status: criteria provided, single submitter. Criteria: ACMG Guidelines, 2015. Collection method: clinical testing. Allele origin: germline.

Genetic Services Laboratory, University of Chicago
Classification: Benign. Last evaluated: 2021-04-06. Review status: criteria provided, single submitter. Criteria: ACMG Guidelines, 2015. Collection method: clinical testing. Allele origin: germline. Affected: no.